The following is an entry in ClinVar:

NM_001040108.2(MLH3):c.4082C>A (p.Ala1361Asp)

Gene: MLH3 (mutL homolog 3; minus strand). Cytogenetic location: 14q24.3.
Variant type: single nucleotide variant.
Coding change: c.4082C>A on transcript NM_001040108.2 (MANE Select); coding-DNA position 4082, C replaced by A.
Protein change: p.Ala1361Asp; replaces alanine 1361 with aspartic acid.
Molecular consequence: missense variant.
Genome position (GRCh38, 1-based): chr14:75,022,822, G>T on the plus strand (C>A on the coding strand, the complement: MLH3 is on the minus strand). VCF-style: chr14-75022822-G-T. GRCh37 (hg19) VCF-style: chr14-75489525-G-T.
Other names: c.4010C>A, p.Ala1337Asp (NM_014381.3); short protein forms A1361D, A1337D.
Identifiers: ClinVar variation 4055498 (VCV004055498.1).

ClinVar aggregate classification (germline): Uncertain significance (1 of 4 stars; one submission).

Submission:

Ambry Genetics
Classification: Uncertain significance. Last evaluated: 2025-05-10. Review status: criteria provided, single submitter. Criteria: Ambry Variant Classification Scheme 2023. Collection method: clinical testing. Allele origin: germline.
Comment: The p.A1361D variant (also known as c.4082C>A), located in coding exon 10 of the MLH3 gene, results from a C to A substitution at nucleotide position 4082. The alanine at codon 1361 is replaced by aspartic acid, an amino acid with dissimilar properties. This amino acid position is conserved. In addition, this alteration is predicted to be deleterious by in silico analysis. Based on the available evidence, the clinical significance of this variant remains unclear.